The following is an entry in ClinVar:

ClinVar aggregate classification (germline): Likely benign. Review status: criteria provided, single submitter (1 of 4 stars). 2 submissions from 2 submitters: Likely benign (1). 1 of the submissions does not count toward it. Last evaluated 2024-08-12.

Conditions:
MEGF8-related Carpenter syndrome. Also called: Carpenter syndrome 2. Identifiers: Orphanet 65759, MedGen C3554247, MONDO:0013998, OMIM 614976.
MEGF8-related disorder. Also called: MEGF8-related condition.

Allele frequency attached by ClinVar (database versions not stated): 1000 Genomes Project 0.00080; ExAC 0.00036; 1000 Genomes Project 30x 0.00062; TOPMed 0.00003.
gnomAD v4.1: 240 of 1,608,942 alleles (0.015%); highest among the groups gnomAD compares: South Asian, 0.25%; 1 homozygote.

Submissions (2):

Labcorp Genetics (formerly Invitae), Labcorp
Classification: Likely benign for MEGF8-related Carpenter syndrome. Last evaluated: 2024-08-12. Review status: criteria provided, single submitter. Criteria: Invitae Variant Classification Sherloc (09022015). Collection method: clinical testing. Allele origin: germline.

PreventionGenetics, part of Exact Sciences
Classification: Likely benign for MEGF8-related condition. Last evaluated: 2023-05-10. Review status: no assertion criteria provided. Collection method: clinical testing. Allele origin: germline. Not counted in ClinVar's aggregate classification.
Comment: This variant is classified as likely benign based on ACMG/AMP sequence variant interpretation guidelines (Richards et al. 2015 PMID: 25741868, with internal and published modifications).

NM_001271938.2(MEGF8):c.6058+5G>T

Gene: MEGF8 (multiple EGF like domains 8; plus strand). Cytogenetic location: 19q13.2.
Variant type: single nucleotide variant.
Coding change: c.6058+5G>T on transcript NM_001271938.2 (MANE Select); 5 bases into the intron after coding-DNA position 6058, G replaced by T.
Molecular consequence: intron variant.
Genome position (GRCh38, 1-based): chr19:42,362,602, G>T. VCF-style: chr19-42362602-G-T. GRCh37 (hg19) VCF-style: chr19-42866754-G-T.
Other names: c.5857+5G>T (NM_001410.3, NM_001410.2).
Identifiers: ClinVar variation 2068078 (VCV002068078.6), dbSNP rs371752630, ClinGen allele CA9475754.